The following is an entry in ClinVar:

NM_002457.5(MUC2):c.12414C>A (p.Thr4138=)

Gene: MUC2 (mucin 2, oligomeric mucus/gel-forming; plus strand). Cytogenetic location: 11p15.5.
Variant type: single nucleotide variant.
Coding change: c.12414C>A on transcript NM_002457.5 (MANE Select); coding-DNA position 12414, C replaced by A.
Protein change: p.Thr4138=; no amino-acid change (threonine 4138 retained).
Molecular consequence: synonymous variant.
Genome position (GRCh38, 1-based): chr11:1,099,748, C>A. VCF-style: chr11-1099748-C-A. GRCh37 (hg19) VCF-style: chr11-1093656-C-A.
Identifiers: ClinVar variation 2641149 (VCV002641149.24), dbSNP rs771852567, ClinGen allele CA5800352.

ClinVar aggregate classification (germline): Likely benign (1 of 4 stars; one submission).

Allele frequency attached by ClinVar (database versions not stated): TOPMed below 0.00001; ExAC 0.00002; 1000 Genomes Project 30x 0.00031.

Submission:

CeGaT Center for Human Genetics Tuebingen
Classification: Likely benign. Last evaluated: 2023-07-01. Review status: criteria provided, single submitter. Criteria: CeGaT Center For Human Genetics Tuebingen Variant Classification Criteria Version 2. Collection method: clinical testing. Allele origin: germline. Affected: yes. Observed: 1 variant allele.
Comment: MUC2: BP4, BP7